The following is an entry in ClinVar:

ClinVar aggregate classification (germline): Likely benign. Review status: criteria provided, multiple submitters, no conflicts (2 of 4 stars). 4 submissions from 4 submitters: Likely benign (3). 1 of the submissions does not count toward it. Last evaluated 2026-01-18.

Conditions:
EPG5-related disorder. Also called: EPG5-related condition. Identifiers: MedGen CN381528.
Vici syndrome (VICIS). Identifiers: Orphanet 1493, MedGen C1855772, MONDO:0009452, OMIM 242840.

Allele frequency attached by ClinVar (database versions not stated): gnomAD exomes 0.00002 and 0.00003; ExAC 0.00003; TOPMed 0.00006; ESP Exome Variant Server 0.00025.
gnomAD v4.1: 38 of 1,614,082 alleles (0.0024%); highest among the groups gnomAD compares: Middle Eastern, 0.049%; no homozygotes.

Submissions (4):

Labcorp Genetics (formerly Invitae), Labcorp
Classification: Likely benign for Vici syndrome. Last evaluated: 2026-01-18. Review status: criteria provided, single submitter. Criteria: Invitae Variant Classification Sherloc (09022015). Collection method: clinical testing. Allele origin: germline.

Blueprint Genetics
Classification: Likely benign. Last evaluated: 2024-08-12. Review status: criteria provided, single submitter. Criteria: ACMG Guidelines, 2015. Collection method: clinical testing. Allele origin: germline.

CeGaT Center for Human Genetics Tuebingen
Classification: Likely benign. Last evaluated: 2023-05-01. Review status: criteria provided, single submitter. Criteria: CeGaT Center For Human Genetics Tuebingen Variant Classification Criteria Version 2. Collection method: clinical testing. Allele origin: germline. Affected: yes. Observed: 1 variant allele.
Comment: EPG5: BP4, BP7

PreventionGenetics, part of Exact Sciences
Classification: Likely benign for EPG5-related condition. Last evaluated: 2019-03-21. Review status: no assertion criteria provided. Collection method: clinical testing. Allele origin: germline. Not counted in ClinVar's aggregate classification.
Comment: This variant is classified as likely benign based on ACMG/AMP sequence variant interpretation guidelines (Richards et al. 2015 PMID: 25741868, with internal and published modifications).

NM_020964.3(EPG5):c.150T>G (p.Ser50=)

Gene: EPG5 (ectopic P-granules 5 autophagy tethering factor; minus strand). Cytogenetic location: 18q21.1.
Variant type: single nucleotide variant.
Coding change: c.150T>G on transcript NM_020964.3 (MANE Select); coding-DNA position 150, T replaced by G.
Protein change: p.Ser50=; no amino-acid change (serine 50 retained).
Molecular consequence: synonymous variant.
Genome position (GRCh38, 1-based): chr18:45,955,252, A>C on the plus strand (T>G on the coding strand, the complement: EPG5 is on the minus strand). VCF-style: chr18-45955252-A-C. GRCh37 (hg19) VCF-style: chr18-43535218-A-C.
Identifiers: ClinVar variation 741581 (VCV000741581.33), dbSNP rs368060363, ClinGen allele CA8950000.